The following is an entry in ClinVar:

NM_003995.4(NPR2):c.2833C>G (p.Arg945Gly)

Genes: NPR2 (natriuretic peptide receptor 2; plus strand), SPAG8 (sperm associated antigen 8; minus strand). Cytogenetic location: 9p13.3.
Variant type: single nucleotide variant.
Coding change: c.2833C>G on transcript NM_003995.4 (MANE Select); coding-DNA position 2833, C replaced by G.
Protein change: p.Arg945Gly; replaces arginine 945 with glycine.
Molecular consequence: missense variant. On other transcripts: intron variant (2).
Genome position (GRCh38, 1-based): chr9:35,808,629, C>G. VCF-style: chr9-35808629-C-G. GRCh37 (hg19) VCF-style: chr9-35808626-C-G.
Other names: c.2842C>G, p.Arg948Gly (NM_001378923.1); c.1201-323G>C (NM_001366760.2); c.1373-323G>C (NM_172312.2); short protein forms R945G, R948G.
Identifiers: ClinVar variation 432688 (VCV000432688.4), dbSNP rs781398693, ClinGen allele CA373385236.

ClinVar aggregate classification (germline): Uncertain significance (1 of 4 stars; one submission).

Submission:

GeneDx
Classification: Uncertain significance. Last evaluated: 2018-04-02. Review status: criteria provided, single submitter. Criteria: GeneDx Variant Classification (06012015). Collection method: clinical testing. Allele origin: germline. Affected: yes.
Comment: The R945G variant in the NPR2 gene has not been reported previously as a pathogenic variant, nor as a benign variant, to our knowledge. The R945G variant is not observed in large population cohorts (Lek et al., 2016; 1000 Genomes Consortium et al., 2015; Exome Variant Server). The R945G variant is a non-conservative amino acid substitution, which is likely to impact secondary protein structure as these residues differ in polarity, charge, size and/or other properties. This substitution occurs at a position where amino acids with similar properties to Arginine are tolerated across species. In silico analysis predicts this variant is probably damaging to the protein structure/function. We interpret R945G as a variant of uncertain significance.